The following is an entry in ClinVar:

ClinVar aggregate classification (germline): Conflicting classifications of pathogenicity. Review status: criteria provided, conflicting classifications (1 of 4 stars). 3 submissions from 3 submitters: Uncertain significance (1); Likely benign (2). Last evaluated 2026-03-01.

Allele frequency attached by ClinVar (database versions not stated): gnomAD 0.00005 and 0.00010; ESP Exome Variant Server 0.00015; ExAC 0.00026; 1000 Genomes Project 30x 0.00031; 1000 Genomes Project 0.00040.
gnomAD v4.1: 215 of 1,612,356 alleles (0.013%); highest among the groups gnomAD compares: Middle Eastern, 0.15%; 1 homozygote.

Submissions (3):

CeGaT Center for Human Genetics Tuebingen
Classification: Likely benign. Last evaluated: 2026-03-01. Review status: criteria provided, single submitter. Criteria: CeGaT Center For Human Genetics Tuebingen Variant Classification Criteria Version 2. Collection method: clinical testing. Allele origin: germline. Affected: yes. Observed: 2 variant alleles.
Comment: KATNIP: BP4

Blueprint Genetics
Classification: Likely benign. Last evaluated: 2024-10-22. Review status: criteria provided, single submitter. Criteria: ACMG Guidelines, 2015. Collection method: clinical testing. Allele origin: germline.

AiLife Diagnostics
Classification: Uncertain significance. Last evaluated: 2022-03-23. Review status: criteria provided, single submitter. Criteria: ACMG Guidelines, 2015. Collection method: clinical testing. Allele origin: germline. Affected: yes. Observed: 1 variant allele.

NM_015202.5(KATNIP):c.-2G>A

Gene: KATNIP (katanin interacting protein; plus strand). Cytogenetic location: 16p12.1.
Variant type: single nucleotide variant.
Coding change: c.-2G>A on transcript NM_015202.5 (MANE Select); 2 bases upstream of the start codon, G replaced by A.
Molecular consequence: 5 prime UTR variant.
Genome position (GRCh38, 1-based): chr16:27,550,169, G>A. VCF-style: chr16-27550169-G-A. GRCh37 (hg19) VCF-style: chr16-27561490-G-A.
Identifiers: ClinVar variation 1678065 (VCV001678065.26), dbSNP rs112949559, ClinGen allele CA7977148.